The following is an entry in ClinVar:

NM_001292063.2(OTOG):c.692G>A (p.Arg231His)

Gene: OTOG (otogelin; plus strand). Cytogenetic location: 11p15.1.
Variant type: single nucleotide variant.
Coding change: c.692G>A on transcript NM_001292063.2 (MANE Select); coding-DNA position 692, G replaced by A.
Protein change: p.Arg231His; replaces arginine 231 with histidine.
Molecular consequence: missense variant.
Genome position (GRCh38, 1-based): chr11:17,557,150, G>A. VCF-style: chr11-17557150-G-A. GRCh37 (hg19) VCF-style: chr11-17578697-G-A.
Other names: c.728G>A, p.Arg243His (NM_001277269.2); short protein forms R231H, R243H.
Identifiers: ClinVar variation 4981725 (VCV004981725.1).
Genomic context (GRCh38, chr11:17,557,150, plus strand): 5'-CCCTGAAGCTCTGGGATGTGCCCTGCAGGGTCCAACTGCCACATGTCATGGGGAGCGCGC[G>A]TCTGCAGCAGCTTGCCGGCTATGTCATCGTGCGGCATCAGTCAGCCTTCACACTGGCCTG-3'
Protein context (NP_001278992.1, residues 221-241): VQLPHVMGSA[Arg231His]LQQLAGYVIV

ClinVar aggregate classification (germline): Uncertain significance (1 of 4 stars; one submission).

Conditions:
OTOG-related disorder. Also called: OTOG-related condition.

gnomAD v4.1: 27 of 1,550,382 alleles (0.0017%); highest among the groups gnomAD compares: African/African-American, 0.018%; no homozygotes.

Submission:

PreventionGenetics, part of Exact Sciences
Classification: Uncertain significance for OTOG-related condition. Last evaluated: 2025-10-27. Review status: criteria provided, single submitter. Criteria: ACMG Guidelines, 2015. Collection method: clinical testing. Allele origin: germline.
Comment: The OTOG c.728G>A variant is predicted to result in the amino acid substitution p.Arg243His. To our knowledge, this variant has not been reported in the literature. This variant is reported in 0.0089% of alleles in individuals of South Asian descent in gnomAD. At this time, the clinical significance of this variant is uncertain due to the absence of conclusive functional and genetic evidence.